The following is an entry in ClinVar:

ClinVar aggregate classification (germline): Benign. Review status: criteria provided, multiple submitters, no conflicts (2 of 4 stars). 3 submissions from 3 submitters: Benign (2). 1 of the submissions does not count toward it. Last evaluated 2016-03-29.

Conditions:
Thalidomide response. Identifiers: MedGen CN297989.

Allele frequency attached by ClinVar (database versions not stated): 1000 Genomes Project 30x 0.31793; gnomAD 0.34511 and 0.34702; 1000 Genomes Project 0.32029; gnomAD exomes 0.39679; ESP Exome Variant Server 0.30972; TOPMed 0.35103; ExAC 0.40075.

Submissions (3):

Laboratory for Molecular Medicine, Mass General Brigham Personalized Medicine
Classification: Benign. Last evaluated: 2016-03-29. Review status: criteria provided, single submitter. Criteria: LMM Criteria. Collection method: clinical testing. Allele origin: germline.
Comment: Variant identified in a genome or exome case(s) and assessed due to predicted null impact of the variant or pathogenic assertions in the literature or databases. Disclaimer: This variant has not undergone full assessment. The following are preliminary notes: Frequency

Breakthrough Genomics
Classification: Benign. Review status: criteria provided, single submitter. Criteria: ACMG Guidelines, 2015. Collection method: not provided. Allele origin: germline. Inheritance: Unknown mechanism. Affected: yes.

Rare Diseases Genetics and Genomics, Islamia College Peshawar
Classification: drug response for Thalidomide response. Review status: no assertion criteria provided. Collection method: research. Allele origin: germline. Affected: yes. Not counted in ClinVar's aggregate classification.
Comment: this variant was associated with excellent response to thalidomide (achieving transfusion independence)

NM_001243156.2(TAF1C):c.1645T>A (p.Leu549Met)

Genes: DNAAF1 (dynein axonemal assembly factor 1; plus strand), TAF1C (TATA-box binding protein associated factor, RNA polymerase I subunit C; minus strand). Cytogenetic location: 16q24.1.
Variant type: single nucleotide variant.
Coding change: c.1645T>A on transcript NM_001243156.2 (MANE Select); coding-DNA position 1645, T replaced by A.
Protein change: p.Leu549Met; replaces leucine 549 with methionine.
Molecular consequence: missense variant.
Genome position (GRCh38, 1-based): chr16:84,179,828, A>T on the plus strand (T>A on the coding strand, the complement: TAF1C is on the minus strand). VCF-style: chr16-84179828-A-T. GRCh37 (hg19) VCF-style: chr16-84213434-A-T.
Other names: c.727T>A, p.Leu243Met (NM_001243157.2, NM_001243158.2); c.496T>A, p.Leu166Met (NM_001243159.2); c.292T>A, p.Leu98Met (NM_001243160.2); c.1723T>A, p.Leu575Met (NM_005679.4); c.1441T>A, p.Leu481Met (NM_139353.3); short protein forms L243M, L166M, L481M, L575M, L98M, L549M.
Identifiers: ClinVar variation 402596 (VCV000402596.6), dbSNP rs2230129, ClinGen allele CA8203531.